The following is an entry in ClinVar:

ClinVar aggregate classification (germline): Uncertain significance. Review status: criteria provided, multiple submitters, no conflicts (2 of 4 stars). 8 submissions from 8 submitters: Uncertain significance (7). 1 of the submissions does not count toward it. Last evaluated 2026-03-05.

Conditions:
Chédiak-Higashi syndrome (CHS). Also called: Chediak-Higashi Syndrome. Identifiers: Orphanet 167, MedGen C0007965, MONDO:0008963, OMIM 214500.
Abnormal bleeding. Also called: Bleeding diathesis. Identifiers: MedGen C1458140, HP:0001892.
Thrombocytopenia. Identifiers: MedGen C0040034, MeSH D013921, MONDO:0002049, HP:0001873.

Allele frequency attached by ClinVar (database versions not stated): ExAC 0.00021; gnomAD exomes 0.00025; ESP Exome Variant Server 0.00031; gnomAD 0.00031 and 0.00032; TOPMed 0.00033.
gnomAD v4.1: 546 of 1,612,368 alleles (0.034%); highest among the groups gnomAD compares: Non-Finnish European, 0.041%; no homozygotes.

Submissions (8):

Women's Health and Genetics/Laboratory Corporation of America, LabCorp
Classification: Uncertain significance. Last evaluated: 2026-03-05. Review status: criteria provided, single submitter. Criteria: LabCorp Variant Classification Summary - May 2015. Collection method: clinical testing. Allele origin: germline.
Comment: Variant summary: LYST c.8960C>G (p.Pro2987Arg) results in a non-conservative amino acid change in the encoded protein sequence. Algorithms developed to predict the effect of missense changes on protein structure and function are either unavailable or do not agree on the potential impact of this missense change. The variant allele was found at a frequency of 0.00025 in 251314 control chromosomes, predominantly at a frequency of 0.00046 within the Non-Finnish European subpopulation in the gnomAD database. This frequency is not significantly higher than estimated for disease-causing variants in LYST, allowing no conclusion about variant significance. c.8960C>G has been reported in the literature in one individual affected with Inherited bleeding disorders, without strong evidence for causality (Almazni_2020). The report does not provide unequivocal conclusions about association of the variant with Chediak-Higashi Syndrome. To our knowledge, no experimental evidence demonstrating an impact on protein function has been reported. The following publication have been ascertained in the context of this evaluation (PMID: 32935436). ClinVar contains an entry for this variant (Variation ID: 296366). Based on the evidence outlined above, the variant was classified as uncertain significance.

Blueprint Genetics
Classification: Uncertain significance. Last evaluated: 2024-09-06. Review status: criteria provided, single submitter. Criteria: ACMG Guidelines, 2015. Collection method: clinical testing. Allele origin: germline.

Labcorp Genetics (formerly Invitae), Labcorp
Classification: Uncertain significance for Chédiak-Higashi syndrome. Last evaluated: 2022-10-25. Review status: criteria provided, single submitter. Criteria: Invitae Variant Classification Sherloc (09022015). Collection method: clinical testing. Allele origin: germline.
Comment: This sequence change replaces proline, which is neutral and non-polar, with arginine, which is basic and polar, at codon 2987 of the LYST protein (p.Pro2987Arg). This variant is present in population databases (rs147899661, gnomAD 0.05%). This variant has not been reported in the literature in individuals affected with LYST-related conditions. ClinVar contains an entry for this variant (Variation ID: 296366). Advanced modeling of protein sequence and biophysical properties (such as structural, functional, and spatial information, amino acid conservation, physicochemical variation, residue mobility, and thermodynamic stability) performed at Invitae indicates that this missense variant is not expected to disrupt LYST protein function. In summary, the available evidence is currently insufficient to determine the role of this variant in disease. Therefore, it has been classified as a Variant of Uncertain Significance.

CeGaT Center for Human Genetics Tuebingen
Classification: Uncertain significance. Last evaluated: 2021-09-01. Review status: criteria provided, single submitter. Criteria: CeGaT Center For Human Genetics Tuebingen Variant Classification Criteria Version 2. Collection method: clinical testing. Allele origin: germline. Affected: yes. Observed: 1 variant allele.

Fulgent Genetics
Classification: Uncertain significance for Chédiak-Higashi syndrome. Last evaluated: 2021-07-28. Review status: criteria provided, single submitter. Criteria: ACMG Guidelines, 2015. Collection method: clinical testing. Allele origin: unknown.

Revvity Omics, Revvity
Classification: Uncertain significance for Chédiak-Higashi syndrome. Last evaluated: 2021-07-13. Review status: criteria provided, single submitter. Criteria: ACMG Guidelines, 2015. Collection method: clinical testing. Allele origin: germline.

Illumina Laboratory Services, Illumina
Classification: Uncertain significance for Chédiak-Higashi syndrome. Last evaluated: 2018-01-13. Review status: criteria provided, single submitter. Criteria: ICSL Variant Classification Criteria 13 December 2019. Collection method: clinical testing. Allele origin: germline.

Birmingham Platelet Group; University of Birmingham
Classification: Uncertain significance for Thrombocytopenia; Abnormal bleeding. Last evaluated: 2020-05-01. Review status: no assertion criteria provided. Collection method: research. Allele origin: germline. Affected: yes. Not counted in ClinVar's aggregate classification.

Literature cited by the submitters: PubMed 32935436 (cited by Women's Health and Genetics/Laboratory Corporation of America, LabCorp).

NM_000081.4(LYST):c.8960C>G (p.Pro2987Arg)

Gene: LYST (lysosomal trafficking regulator; minus strand). Cytogenetic location: 1q42.3.
Variant type: single nucleotide variant.
Coding change: c.8960C>G on transcript NM_000081.4 (MANE Select); coding-DNA position 8960, C replaced by G.
Protein change: p.Pro2987Arg; replaces proline 2987 with arginine.
Molecular consequence: missense variant.
Genome position (GRCh38, 1-based): chr1:235,730,931, G>C on the plus strand (C>G on the coding strand, the complement: LYST is on the minus strand). VCF-style: chr1-235730931-G-C. GRCh37 (hg19) VCF-style: chr1-235894231-G-C.
Other names: c.8960C>G, p.Pro2987Arg (NM_001301365.1); short protein forms P2987R.
Identifiers: ClinVar variation 296366 (VCV000296366.54), dbSNP rs147899661, ClinGen allele CA1465710.